The following is an entry in ClinVar:

NM_001372.4(DNAH9):c.1562A>T (p.Asp521Val)

Gene: DNAH9 (dynein axonemal heavy chain 9; plus strand). Cytogenetic location: 17p12.
Variant type: single nucleotide variant.
Coding change: c.1562A>T on transcript NM_001372.4 (MANE Select); coding-DNA position 1562, A replaced by T.
Protein change: p.Asp521Val; replaces aspartic acid 521 with valine.
Molecular consequence: missense variant.
Genome position (GRCh38, 1-based): chr17:11,632,630, A>T. VCF-style: chr17-11632630-A-T. GRCh37 (hg19) VCF-style: chr17-11535947-A-T.
Other names: short protein forms D521V.
Identifiers: ClinVar variation 1405580 (VCV001405580.5), dbSNP rs199964798, ClinGen allele CA8394892.

ClinVar aggregate classification (germline): Uncertain significance. Review status: criteria provided, multiple submitters, no conflicts (2 of 4 stars). 2 submissions from 2 submitters: Uncertain significance (2). Last evaluated 2024-09-13.

Allele frequency attached by ClinVar (database versions not stated): gnomAD exomes 0.00003 and 0.00008; ExAC 0.00007; gnomAD 0.00009 and 0.00010; TOPMed 0.00019.
gnomAD v4.1: 54 of 1,610,424 alleles (0.0034%); highest among the groups gnomAD compares: Admixed American, 0.048%; no homozygotes.

Submissions (2):

Blueprint Genetics
Classification: Uncertain significance. Last evaluated: 2024-09-13. Review status: criteria provided, single submitter. Criteria: ACMG Guidelines, 2015. Collection method: clinical testing. Allele origin: germline.

Labcorp Genetics (formerly Invitae), Labcorp
Classification: Uncertain significance. Last evaluated: 2023-11-14. Review status: criteria provided, single submitter. Criteria: Invitae Variant Classification Sherloc (09022015). Collection method: clinical testing. Allele origin: germline.
Comment: This sequence change replaces aspartic acid, which is acidic and polar, with valine, which is neutral and non-polar, at codon 521 of the DNAH9 protein (p.Asp521Val). This variant is present in population databases (rs199964798, gnomAD 0.04%). This variant has not been reported in the literature in individuals affected with DNAH9-related conditions. ClinVar contains an entry for this variant (Variation ID: 1405580). Advanced modeling of protein sequence and biophysical properties (such as structural, functional, and spatial information, amino acid conservation, physicochemical variation, residue mobility, and thermodynamic stability) performed at Invitae indicates that this missense variant is not expected to disrupt DNAH9 protein function with a negative predictive value of 80%. In summary, the available evidence is currently insufficient to determine the role of this variant in disease. Therefore, it has been classified as a Variant of Uncertain Significance.